The following is an entry in ClinVar:

ClinVar aggregate classification (germline): Uncertain significance. Review status: criteria provided, multiple submitters, no conflicts (2 of 4 stars). 3 submissions from 3 submitters: Uncertain significance (3). Last evaluated 2025-09-24.

Conditions:
Familial hemophagocytic lymphohistiocytosis 3 (FHL3). Also called: UNC13D-Related Familial Hemophagocytic Lymphohistiocytosis (UNC13D-fHLH). Identifiers: Orphanet 540, MedGen C1837174, MONDO:0012146, OMIM 608898.

Allele frequency attached by ClinVar (database versions not stated): TOPMed 0.00007.
gnomAD v4.1: 56 of 1,613,618 alleles (0.0035%); highest among the groups gnomAD compares: Admixed American, 0.08%; no homozygotes.

Submissions (3):

Mayo Clinic Laboratories, Mayo Clinic
Classification: Uncertain significance. Last evaluated: 2025-09-24. Review status: criteria provided, single submitter. Criteria: ACMG Guidelines, 2015. Collection method: clinical testing. Allele origin: germline. Observed: 2 variant alleles.
Comment: PP3

Labcorp Genetics (formerly Invitae), Labcorp
Classification: Uncertain significance for Familial hemophagocytic lymphohistiocytosis 3. Last evaluated: 2022-08-31. Review status: criteria provided, single submitter. Criteria: Invitae Variant Classification Sherloc (09022015). Collection method: clinical testing. Allele origin: germline.
Comment: This sequence change replaces arginine, which is basic and polar, with histidine, which is basic and polar, at codon 414 of the UNC13D protein (p.Arg414His). This variant is present in population databases (rs768171054, gnomAD 0.1%). This variant has not been reported in the literature in individuals affected with UNC13D-related conditions. ClinVar contains an entry for this variant (Variation ID: 889284). Algorithms developed to predict the effect of missense changes on protein structure and function are either unavailable or do not agree on the potential impact of this missense change (SIFT: "Not Available"; PolyPhen-2: "Probably Damaging"; Align-GVGD: "Not Available"). This variant disrupts the p.Arg414 amino acid residue in UNC13D. Other variant(s) that disrupt this residue have been observed in individuals with UNC13D-related conditions (PMID: 16825436, 27123661, 27164702, 28848550, 29113160), which suggests that this may be a clinically significant amino acid residue. In summary, the available evidence is currently insufficient to determine the role of this variant in disease. Therefore, it has been classified as a Variant of Uncertain Significance.

Illumina Laboratory Services, Illumina
Classification: Uncertain significance for Familial hemophagocytic lymphohistiocytosis 3. Last evaluated: 2018-01-12. Review status: criteria provided, single submitter. Criteria: ICSL Variant Classification Criteria 13 December 2019. Collection method: clinical testing. Allele origin: germline.

Literature cited by the submitters: PubMed 16825436 (cited by Labcorp Genetics (formerly Invitae), Labcorp); PubMed 27123661 (cited by Labcorp Genetics (formerly Invitae), Labcorp); PubMed 27164702 (cited by Labcorp Genetics (formerly Invitae), Labcorp); PubMed 28848550 (cited by Labcorp Genetics (formerly Invitae), Labcorp); PubMed 29113160 (cited by Labcorp Genetics (formerly Invitae), Labcorp).

NM_199242.3(UNC13D):c.1241G>A (p.Arg414His)

Gene: UNC13D (unc-13 homolog D; minus strand). Cytogenetic location: 17q25.1.
Variant type: single nucleotide variant.
Coding change: c.1241G>A on transcript NM_199242.3 (MANE Select); coding-DNA position 1241, G replaced by A.
Protein change: p.Arg414His; replaces arginine 414 with histidine.
Molecular consequence: missense variant.
Genome position (GRCh38, 1-based): chr17:75,836,629, C>T on the plus strand (G>A on the coding strand, the complement: UNC13D is on the minus strand). VCF-style: chr17-75836629-C-T. GRCh37 (hg19) VCF-style: chr17-73832710-C-T.
Other names: p.Arg414His; short protein forms R414H.
Identifiers: ClinVar variation 889284 (VCV000889284.9), dbSNP rs768171054, ClinGen allele CA8773064.